The following is an entry in ClinVar:

ClinVar aggregate classification (germline): Likely pathogenic (1 of 4 stars; one submission).

Conditions:
Osteogenesis imperfecta type I (OI1). Also called: Lobstein's Disease; OI, TYPE I; OSTEOGENESIS IMPERFECTA TARDA; OSTEOGENESIS IMPERFECTA WITH BLUE SCLERAE; Osteogenesis imperfecta type 1; Lobstein disease. Identifiers: Orphanet 216796, Orphanet 666, MedGen C0023931, MONDO:0008146, OMIM 166200. Disease mechanism: loss of function.
Ehlers-Danlos syndrome, classic type, 1 (EDSCL1). Also called: Ehlers-Danlos syndrome, type 1; EHLERS-DANLOS SYNDROME, GRAVIS TYPE; EHLERS-DANLOS SYNDROME, SEVERE CLASSIC TYPE; EDS I; Ehlers-Danlos Syndrome, Classic Type, COL5A1-Related. Identifiers: MedGen C0268335, MONDO:0019567, OMIM 130000.

Submission:

Labcorp Genetics (formerly Invitae), Labcorp
Classification: Likely pathogenic for Osteogenesis imperfecta type I; Ehlers-Danlos syndrome, classic type, 1. Last evaluated: 2025-12-03. Review status: criteria provided, single submitter. Criteria: Invitae Variant Classification Sherloc (09022015). Collection method: clinical testing. Allele origin: germline.
Comment: This sequence change replaces glycine, which is neutral and non-polar, with glutamic acid, which is acidic and polar, at codon 688 of the COL1A2 protein (p.Gly688Glu). This variant is not present in population databases (gnomAD no frequency). This missense change has been observed in individual(s) with clinical features of COL1A2-related conditions (internal data). ClinVar contains an entry for this variant (Variation ID: 936290). Invitae Evidence Modeling of protein sequence and biophysical properties (such as structural, functional, and spatial information, amino acid conservation, physicochemical variation, residue mobility, and thermodynamic stability) indicates that this missense variant is expected to disrupt COL1A2 protein function with a positive predictive value of 95%. This variant disrupts the triple helix domain of COL1A2. Glycine residues within the Gly-Xaa-Yaa repeats of the triple helix domain are required for the structure and stability of fibrillar collagens (PMID: 7695699, 8218237, 19344236). In COL1A2, variants affecting these glycine residues are significantly enriched in individuals with disease (PMID: 9016532, 17078022) compared to the general population (ExAC). In summary, the currently available evidence indicates that the variant is pathogenic, but additional data are needed to prove that conclusively. Therefore, this variant has been classified as Likely Pathogenic.

Literature cited by the submitters: PubMed 7695699; PubMed 8218237; PubMed 19344236; PubMed 9016532; PubMed 17078022.

NM_000089.4(COL1A2):c.2063G>A (p.Gly688Glu)

Gene: COL1A2 (collagen type I alpha 2 chain; plus strand). Cytogenetic location: 7q21.3.
Variant type: single nucleotide variant.
Coding change: c.2063G>A on transcript NM_000089.4 (MANE Select); coding-DNA position 2063, G replaced by A.
Protein change: p.Gly688Glu; replaces glycine 688 with glutamic acid.
Molecular consequence: missense variant.
Genome position (GRCh38, 1-based): chr7:94,419,535, G>A. VCF-style: chr7-94419535-G-A. GRCh37 (hg19) VCF-style: chr7-94048847-G-A.
Other names: short protein forms G688E.
Identifiers: ClinVar variation 936290 (VCV000936290.11), dbSNP rs1792108068, ClinGen allele CA368223166.
Genomic context (GRCh38, chr7:94,419,535, plus strand): 5'-ACATGTTTCCTTTTTGGTACTAGGGTGCTCCTGGTGCTGTAGGTGCCCCTGGTCCTGCTG[G>A]AGCCACAGGTGACCGGGTAAGCATGCATTTTCACTAAGCCAACAGCAATATCTAAAATTT-3'
Protein context (NP_000080.2, residues 678-698): PGAVGAPGPA[Gly688Glu]ATGDRGEAGA